The following is an entry in ClinVar:

NM_000179.3(MSH6):c.1340T>G (p.Leu447Arg)

Gene: MSH6 (mutS homolog 6; plus strand). Cytogenetic location: 2p16.3.
Variant type: single nucleotide variant.
Coding change: c.1340T>G on transcript NM_000179.3 (MANE Select); coding-DNA position 1340, T replaced by G.
Protein change: p.Leu447Arg; replaces leucine 447 with arginine.
Molecular consequence: missense variant.
Genome position (GRCh38, 1-based): chr2:47,799,323, T>G. VCF-style: chr2-47799323-T-G. GRCh37 (hg19) VCF-style: chr2-48026462-T-G.
Other names: c.1043T>G, p.Leu348Arg (NM_001406821.1, NM_001406824.1, NM_001406825.1 and 10 more transcripts); c.434T>G, p.Leu145Arg (NM_001406823.1, NM_001281493.2, NM_001281494.2 and 6 more transcripts); c.950T>G, p.Leu317Arg (NM_001281492.2); c.1436T>G, p.Leu479Arg (NM_001406795.1, NM_001406802.1); c.1340T>G, p.Leu447Arg (NM_001406796.1, NM_001406798.1, NM_001406800.1 and 4 more transcripts); c.815T>G, p.Leu272Arg (NM_001406799.1, NM_001406806.1, NM_001406807.1); c.1262T>G, p.Leu421Arg (NM_001406804.1); c.1346T>G, p.Leu449Arg (NM_001406813.1); and 1 more; short protein forms L145R, L348R, L447R, L449R, L391R, L479R, L272R, L317R.
Identifiers: ClinVar variation 1770366 (VCV001770366.3), dbSNP rs1553412768, ClinGen allele CA346744587.
Genomic context (GRCh38, chr2:47,799,323, plus strand): 5'-ACAAGGTGGGGAAATTTTATGAGCTGTACCACATGGATGCTCTTATTGGAGTCAGTGAAC[T>G]GGGGCTGGTATTCATGAAAGGCAACTGGGCCCATTCTGGCTTTCCTGAAATTGCATTTGG-3'
Protein context (NP_000170.1, residues 437-457): HMDALIGVSE[Leu447Arg]GLVFMKGNWA

ClinVar aggregate classification (germline): Uncertain significance. Review status: criteria provided, multiple submitters, no conflicts (2 of 4 stars). 2 submissions from 2 submitters: Uncertain significance (2). Last evaluated 2024-03-28.

Conditions:
Hereditary cancer-predisposing syndrome. Also called: Hereditary Cancer Syndrome; Hereditary neoplastic syndrome; Neoplastic Syndromes, Hereditary; Tumor predisposition. Identifiers: Orphanet 140162, MedGen C0027672, MeSH D009386, MONDO:0015356.
Endometrial carcinoma. Also called: Endometrial carcinoma, somatic. Identifiers: MedGen C0476089, MONDO:0002447, OMIM 608089, HP:0012114.

Submissions (2):

Baylor Genetics
Classification: Uncertain significance for Endometrial carcinoma. Last evaluated: 2024-03-28. Review status: criteria provided, single submitter. Criteria: ACMG Guidelines, 2015. Collection method: clinical testing. Allele origin: unknown.

Ambry Genetics
Classification: Uncertain significance for Hereditary cancer-predisposing syndrome. Last evaluated: 2021-07-06. Review status: criteria provided, single submitter. Criteria: Ambry Variant Classification Scheme 2023. Collection method: clinical testing. Allele origin: germline.
Comment: The p.L447R variant (also known as c.1340T>G), located in coding exon 4 of the MSH6 gene, results from a T to G substitution at nucleotide position 1340. The leucine at codon 447 is replaced by arginine, an amino acid with dissimilar properties. This amino acid position is well conserved in available vertebrate species. In addition, this alteration is predicted to be deleterious by in silico analysis. Since supporting evidence is limited at this time, the clinical significance of this alteration remains unclear.